The following is an entry in ClinVar:

NM_000088.4(COL1A1):c.4329_4332dup (p.Leu1445fs)

Gene: COL1A1 (collagen type I alpha 1 chain; minus strand). Cytogenetic location: 17q21.33.
Variant type: Duplication.
Coding change: c.4329_4332dup on transcript NM_000088.4 (MANE Select); coding-DNA positions 4329 to 4332, 4 bases duplicated (CCCC; older notation c.4329_4332dupCCCC).
Protein change: p.Leu1445fs; shifts the reading frame from leucine 1445.
Molecular consequence: frameshift variant.
Genome position (GRCh38, 1-based): chr17:50,185,565-50,185,568, GGGG duplicated on the plus strand (CCCC on the coding strand, the reverse complement: COL1A1 is on the minus strand); duplicating any 4 consecutive bases within chr17:50,185,565-50,185,569 gives the same sequence; the c. name uses the placement nearest the transcript's 3' end. VCF-style (leftmost placement, unchanged base first): chr17-50185564-A-AGGGG. GRCh37 (hg19) VCF-style: chr17-48262925-A-AGGGG.
Other names: c.4329_4332dupCCCC (NM_000088.3); short protein forms L1445fs.
Identifiers: ClinVar variation 526845 (VCV000526845.10), dbSNP rs1114167405, ClinGen allele CA658798885.
Genomic context (GRCh38, chr17:50,185,564, plus strand): 5'-ACAGGAAGCAGACAGGGCCAACGTCGAAGCCGAATTCCTGGTCTGGGGCACCAACGTCCA[A>AGGGG]GGGGGCCACATCGATGATGGGCAGGCGGGAGGTCTTGGTGGTTTTGTATTCAATCACTGT-3'

ClinVar aggregate classification (germline): Pathogenic (1 of 4 stars; one submission).

Conditions:
Osteogenesis imperfecta type I (OI1). Also called: Osteogenesis imperfecta type 1; OI, TYPE I; OSTEOGENESIS IMPERFECTA TARDA; OSTEOGENESIS IMPERFECTA WITH BLUE SCLERAE; Lobstein's Disease; Lobstein disease. Identifiers: Orphanet 216796, Orphanet 666, MedGen C0023931, MONDO:0008146, OMIM 166200. Disease mechanism: loss of function.

Submission:

Labcorp Genetics (formerly Invitae), Labcorp
Classification: Pathogenic for Osteogenesis imperfecta type I. Last evaluated: 2018-08-25. Review status: criteria provided, single submitter. Criteria: Invitae Variant Classification Sherloc (09022015). Collection method: clinical testing. Allele origin: germline.
Comment: For these reasons, this variant has been classified as Pathogenic. This variant results in an extension of the COL1A1 protein. Other variant(s) that result in a similarly extended protein product (p.Ala1443Glyfs*110 and p.Glu1453Arg*96) have been determined to be pathogenic (PMID: 2295701, Invitae). This suggests that these extensions are likely to be causative of disease. This variant has been observed in a family affected with osteogenesis imperfecta (Invitae). ClinVar contains an entry for this variant (Variation ID: 526845). This variant is not present in population databases (ExAC no frequency). This sequence change results in a frameshift in the COL1A1 gene (p.Leu1445Profs*107). While this is not anticipated to result in nonsense mediated decay, it is expected to disrupt the last 20 amino acids of the COL1A1 protein and extend the protein by an additional 87 amino acids.

Literature cited by the submitters: PubMed 2295701.